The following is an entry in ClinVar:

ClinVar aggregate classification (germline): Pathogenic (1 of 4 stars; one submission).

Conditions:
Werner syndrome (WRN). Identifiers: Orphanet 902, MedGen C0043119, MONDO:0010196, OMIM 277700.

Submission:

Labcorp Genetics (formerly Invitae), Labcorp
Classification: Pathogenic for Werner syndrome. Last evaluated: 2023-10-17. Review status: criteria provided, single submitter. Criteria: Invitae Variant Classification Sherloc (09022015). Collection method: clinical testing. Allele origin: germline.
Comment: This sequence change creates a premature translational stop signal (p.His1357Thrfs*4) in the WRN gene. It is expected to result in an absent or disrupted protein product. Loss-of-function variants in WRN are known to be pathogenic (PMID: 16673358). This variant is not present in population databases (gnomAD no frequency). This variant has not been reported in the literature in individuals affected with WRN-related conditions. For these reasons, this variant has been classified as Pathogenic.

Literature cited by the submitters: PubMed 16673358.

NM_000553.6(WRN):c.4068dup (p.His1357fs)

Gene: WRN (WRN RecQ like helicase; plus strand). Cytogenetic location: 8p12.
Variant type: Duplication.
Coding change: c.4068dup on transcript NM_000553.6 (MANE Select); coding-DNA position 4068, one base duplicated (A; older notation c.4068dupA).
Protein change: p.His1357fs; shifts the reading frame from histidine 1357.
Molecular consequence: frameshift variant.
Genome position (GRCh38, 1-based): chr8:31,167,107, A duplicated; the last of 3 consecutive A bases (chr8:31,167,105-31,167,107); duplicating any one gives the same sequence. VCF-style (leftmost placement, unchanged base first): chr8-31167104-T-TA. GRCh37 (hg19) VCF-style: chr8-31024620-T-TA.
Other names: short protein forms H1357fs.
Identifiers: ClinVar variation 2769352 (VCV002769352.3), dbSNP rs2536081390, ClinGen allele CA2686840393.